The following is an entry in ClinVar:

NM_001098.3(ACO2):c.1605+6C>T

Gene: ACO2 (aconitase 2; plus strand). Cytogenetic location: 22q13.2.
Variant type: single nucleotide variant.
Coding change: c.1605+6C>T on transcript NM_001098.3 (MANE Select); 6 bases into the intron after coding-DNA position 1605, C replaced by T.
Molecular consequence: intron variant.
Genome position (GRCh38, 1-based): chr22:41,524,974, C>T. VCF-style: chr22-41524974-C-T. GRCh37 (hg19) VCF-style: chr22-41920978-C-T.
Identifiers: ClinVar variation 1357471 (VCV001357471.6), dbSNP rs375306908, ClinGen allele CA10257707.

ClinVar aggregate classification (germline): Uncertain significance (1 of 4 stars; one submission).

Allele frequency attached by ClinVar (database versions not stated): ExAC 0.00002; gnomAD exomes 0.00002 and 0.00008; TOPMed 0.00003; gnomAD 0.00004 and 0.00005; ESP Exome Variant Server 0.00008.
gnomAD v4.1: 120 of 1,614,034 alleles (0.0074%); highest among the groups gnomAD compares: Non-Finnish European, 0.0096%; no homozygotes.

Submission:

Labcorp Genetics (formerly Invitae), Labcorp
Classification: Uncertain significance. Last evaluated: 2025-07-14. Review status: criteria provided, single submitter. Criteria: Invitae Variant Classification Sherloc (09022015). Collection method: clinical testing. Allele origin: germline.
Comment: This sequence change falls in intron 13 of the ACO2 gene. It does not directly change the encoded amino acid sequence of the ACO2 protein. It affects a nucleotide within the consensus splice site. This variant is present in population databases (rs375306908, gnomAD 0.006%). This variant has not been reported in the literature in individuals affected with ACO2-related conditions. ClinVar contains an entry for this variant (Variation ID: 1357471). Variants that disrupt the consensus splice site are a relatively common cause of aberrant splicing (PMID: 17576681, 9536098). Algorithms developed to predict the effect of sequence changes on RNA splicing suggest that this variant is not likely to affect RNA splicing. In summary, the available evidence is currently insufficient to determine the role of this variant in disease. Therefore, it has been classified as a Variant of Uncertain Significance.

Literature cited by the submitters: PubMed 17576681; PubMed 9536098.